The following is an entry in ClinVar:

NM_001367805.3(KIF23):c.564-10C>T

Gene: KIF23 (kinesin family member 23; plus strand). Cytogenetic location: 15q23.
Variant type: single nucleotide variant.
Coding change: c.564-10C>T on transcript NM_001367805.3 (MANE Select); 10 bases into the intron before coding-DNA position 564, C replaced by T.
Molecular consequence: intron variant.
Genome position (GRCh38, 1-based): chr15:69,423,149, C>T. VCF-style: chr15-69423149-C-T. GRCh37 (hg19) VCF-style: chr15-69715488-C-T.
Other names: p.?; c.564-10C>T (NM_138555.4, NM_001367804.2, NM_004856.7); c.234-10C>T (NM_001281301.2).
Identifiers: ClinVar variation 768717 (VCV000768717.14), dbSNP rs7180624, ClinGen allele CA7634955.

ClinVar aggregate classification (germline): Benign/Likely benign. Review status: criteria provided, multiple submitters, no conflicts (2 of 4 stars). 5 submissions from 5 submitters: Benign (4); Likely benign (1). Last evaluated 2026-02-04.

Allele frequency attached by ClinVar (database versions not stated): ExAC 0.73896; gnomAD 0.98556 and 0.98641; 1000 Genomes Project 30x 0.98673; 1000 Genomes Project 0.98782; TOPMed 0.98957.

Submissions (5):

Labcorp Genetics (formerly Invitae), Labcorp
Classification: Benign. Last evaluated: 2026-02-04. Review status: criteria provided, single submitter. Criteria: Invitae Variant Classification Sherloc (09022015). Collection method: clinical testing. Allele origin: germline.

Mayo Clinic Laboratories, Mayo Clinic
Classification: Benign. Last evaluated: 2025-07-29. Review status: criteria provided, single submitter. Criteria: ACMG Guidelines, 2015. Collection method: clinical testing. Allele origin: germline. Observed: 1,668 variant alleles.
Comment: BA1, BP4, BP7

Blueprint Genetics
Classification: Likely benign. Last evaluated: 2024-11-27. Review status: criteria provided, single submitter. Criteria: ACMG Guidelines, 2015. Collection method: clinical testing. Allele origin: germline.

GeneDx
Classification: Benign. Last evaluated: 2018-07-05. Review status: criteria provided, single submitter. Criteria: GeneDx Variant Classification Process June 2021. Collection method: clinical testing. Allele origin: germline. Affected: yes.

Breakthrough Genomics
Classification: Benign. Review status: criteria provided, single submitter. Criteria: ACMG Guidelines, 2015. Collection method: not provided. Allele origin: germline. Inheritance: Autosomal dominant inheritance. Affected: yes.